The following is an entry in ClinVar:

NM_006231.4(POLE):c.701T>C (p.Ile234Thr)

Gene: POLE (DNA polymerase epsilon, catalytic subunit; minus strand). Cytogenetic location: 12q24.33.
Variant type: single nucleotide variant.
Coding change: c.701T>C on transcript NM_006231.4 (MANE Select); coding-DNA position 701, T replaced by C.
Protein change: p.Ile234Thr; replaces isoleucine 234 with threonine.
Molecular consequence: missense variant.
Genome position (GRCh38, 1-based): chr12:132,677,597, A>G on the plus strand (T>C on the coding strand, the complement: POLE is on the minus strand). VCF-style: chr12-132677597-A-G. GRCh37 (hg19) VCF-style: chr12-133254183-A-G.
Other names: short protein forms I234T.
Identifiers: ClinVar variation 1421836 (VCV001421836.8), dbSNP rs2136020161, ClinGen allele CA387364667.

ClinVar aggregate classification (germline): Uncertain significance (1 of 4 stars; one submission).

Submission:

Labcorp Genetics (formerly Invitae), Labcorp
Classification: Uncertain significance. Last evaluated: 2023-01-17. Review status: criteria provided, single submitter. Criteria: Invitae Variant Classification Sherloc (09022015). Collection method: clinical testing. Allele origin: germline.
Comment: ClinVar contains an entry for this variant (Variation ID: 1421836). Advanced modeling of protein sequence and biophysical properties (such as structural, functional, and spatial information, amino acid conservation, physicochemical variation, residue mobility, and thermodynamic stability) performed at Invitae indicates that this missense variant is not expected to disrupt POLE protein function. In summary, the available evidence is currently insufficient to determine the role of this variant in disease. Therefore, it has been classified as a Variant of Uncertain Significance. This sequence change replaces isoleucine, which is neutral and non-polar, with threonine, which is neutral and polar, at codon 234 of the POLE protein (p.Ile234Thr). This variant is not present in population databases (gnomAD no frequency). This variant has not been reported in the literature in individuals affected with POLE-related conditions.